The following is an entry in ClinVar:

NM_022455.5(NSD1):c.3575del (p.Pro1192fs)

Gene: NSD1 (nuclear receptor binding SET domain protein 1; plus strand). Cytogenetic location: 5q35.3.
Variant type: Deletion.
Coding change: c.3575del on transcript NM_022455.5 (MANE Select); coding-DNA position 3575, one base deleted (C; older notation c.3575delC).
Protein change: p.Pro1192fs; shifts the reading frame from proline 1192.
Molecular consequence: frameshift variant.
Genome position (GRCh38, 1-based): chr5:177,211,974, C deleted; the last of 2 consecutive C bases (chr5:177,211,973-177,211,974); deleting either gives the same sequence. VCF-style (leftmost placement, unchanged base first): chr5-177211972-TC-T. GRCh37 (hg19) VCF-style: chr5-176638973-TC-T.
Other names: c.2702delC, p.Pro901Leufs (NM_001365684.2, NM_001409306.1, NM_001409307.1 and 3 more transcripts); c.3575delC, p.Pro1192Leufs (NM_001409301.1, NM_001409302.1, NM_001409303.1); c.3155delC, p.Pro1052Leufs (NM_001409304.1); c.2822delC, p.Pro941Leufs (NM_001409305.1); short protein forms P1192fs, P923fs.
Identifiers: ClinVar variation 422944 (VCV000422944.29), dbSNP rs1064796114, ClinGen allele CA16618173.

ClinVar aggregate classification (germline): Pathogenic. Review status: criteria provided, multiple submitters, no conflicts (2 of 4 stars). 2 submissions from 2 submitters: Pathogenic (2). Last evaluated 2023-05-01.

Submissions (2):

CeGaT Center for Human Genetics Tuebingen
Classification: Pathogenic. Last evaluated: 2023-05-01. Review status: criteria provided, single submitter. Criteria: CeGaT Center For Human Genetics Tuebingen Variant Classification Criteria Version 2. Collection method: clinical testing. Allele origin: germline. Affected: yes. Observed: 1 variant allele.
Comment: NSD1: PVS1, PS2, PM2

GeneDx
Classification: Pathogenic. Last evaluated: 2016-12-30. Review status: criteria provided, single submitter. Criteria: GeneDx Variant Classification (06012015). Collection method: clinical testing. Allele origin: germline. Affected: yes.
Comment: The c.3575delC pathogenic variant in the NSD1 gene causes a frameshift starting with codon Proline 1192, changes this amino acid to a Leucine residue and creates a premature Stop codon at position 27 of the new reading frame, denoted p.P1192LfsX27. This pathogenic variant is predicted to cause loss of normal protein function either through protein truncation or nonsense-mediated mRNA decay. Furthermore, the c.3575delC variant is not observed in large population cohorts (Lek et al., 2016; 1000 Genomes Consortium et al., 2015; Exome Variant Server).